The following is an entry in ClinVar:

NM_003079.5(SMARCE1):c.826C>G (p.Leu276Val)

Gene: SMARCE1 (SWI/SNF related BAF chromatin remodeling complex subunit E1; minus strand). Cytogenetic location: 17q21.2.
Variant type: single nucleotide variant.
Coding change: c.826C>G on transcript NM_003079.5 (MANE Select); coding-DNA position 826, C replaced by G.
Protein change: p.Leu276Val; replaces leucine 276 with valine.
Molecular consequence: missense variant.
Genome position (GRCh38, 1-based): chr17:40,630,915, G>C on the plus strand (C>G on the coding strand, the complement: SMARCE1 is on the minus strand). VCF-style: chr17-40630915-G-C. GRCh37 (hg19) VCF-style: chr17-38787167-G-C.
Other names: short protein forms L276V.
Identifiers: ClinVar variation 4722170 (VCV004722170.1).
Genomic context (GRCh38, chr17:40,630,915, plus strand): 5'-CCTGTTCCTCTGCCTGTGCAATCTCAGCTGCAATTTTCTCCATATCCACTTCTACTTTCA[G>C]ACCGCACAACTAATCAGAAAAAAACAGAACTCCGTAATGTTTTTTCCTTATAATTTTTGA-3'
Protein context (NP_003070.3, residues 266-286): FNNELKRLCG[Leu276Val]KVEVDMEKIA

ClinVar aggregate classification (germline): Uncertain significance (1 of 4 stars; one submission).

Conditions:
Familial meningioma. Also called: Meningioma, familial, susceptibility to. Identifiers: Orphanet 263662, MedGen C3551915, MONDO:0011789, OMIM 607174.

Submission:

Labcorp Genetics (formerly Invitae), Labcorp
Classification: Uncertain significance for Familial meningioma. Last evaluated: 2025-06-27. Review status: criteria provided, single submitter. Criteria: Invitae Variant Classification Sherloc (09022015). Collection method: clinical testing. Allele origin: germline.
Comment: This sequence change replaces leucine, which is neutral and non-polar, with valine, which is neutral and non-polar, at codon 276 of the SMARCE1 protein (p.Leu276Val). This variant is not present in population databases (gnomAD no frequency). This variant has not been reported in the literature in individuals affected with SMARCE1-related conditions. An algorithm developed to predict the effect of missense changes on protein structure and function (PolyPhen-2) suggests that this variant is likely to be disruptive. In summary, the available evidence is currently insufficient to determine the role of this variant in disease. Therefore, it has been classified as a Variant of Uncertain Significance.